The following is an entry in ClinVar:

ClinVar aggregate classification (germline): Uncertain significance (1 of 4 stars; one submission).

Conditions:
Neuropathy, hereditary sensory and autonomic, type 2A (HSAN2A). Also called: HSAN IIA; WNK1-Related HSAN2 (HSAN2A); ACROOSTEOLYSIS, GIACCAI TYPE; ACROOSTEOLYSIS, NEUROGENIC; MORVAN DISEASE; NEUROPATHY, CONGENITAL SENSORY. Identifiers: Orphanet 970, MedGen C2752089, MONDO:0024309, OMIM 201300.
Pseudohypoaldosteronism type 2C (PHA2C). Also called: Pseudohypoaldosteronism Type IIC. Identifiers: Orphanet 757, Orphanet 88940, MedGen C1840391, MONDO:0013778, OMIM 614492.

Allele frequency attached by ClinVar (database versions not stated): gnomAD exomes below 0.00001; TOPMed below 0.00001.
gnomAD v4.1: 3 of 1,614,116 alleles (0.00019%); highest among the groups gnomAD compares: East Asian, 0.0022%; no homozygotes.

Submission:

Labcorp Genetics (formerly Invitae), Labcorp
Classification: Uncertain significance for Neuropathy, hereditary sensory and autonomic, type 2A; Pseudohypoaldosteronism type 2C. Last evaluated: 2022-01-17. Review status: criteria provided, single submitter. Criteria: Invitae Variant Classification Sherloc (09022015). Collection method: clinical testing. Allele origin: germline.
Comment: In summary, the available evidence is currently insufficient to determine the role of this variant in disease. Therefore, it has been classified as a Variant of Uncertain Significance. Advanced modeling of protein sequence and biophysical properties (such as structural, functional, and spatial information, amino acid conservation, physicochemical variation, residue mobility, and thermodynamic stability) performed at Invitae indicates that this missense variant is not expected to disrupt WNK1 protein function. This variant has not been reported in the literature in individuals affected with WNK1-related conditions. This variant is present in population databases (no rsID available, gnomAD 0.003%). This sequence change replaces isoleucine, which is neutral and non-polar, with valine, which is neutral and non-polar, at codon 2365 of the WNK1 protein (p.Ile2365Val).

NM_018979.4(WNK1):c.6337A>G (p.Ile2113Val)

Gene: WNK1 (WNK lysine deficient protein kinase 1; plus strand). Cytogenetic location: 12p13.33.
Variant type: single nucleotide variant.
Coding change: c.6337A>G on transcript NM_018979.4 (MANE Select); coding-DNA position 6337, A replaced by G.
Protein change: p.Ile2113Val; replaces isoleucine 2113 with valine.
Molecular consequence: missense variant.
Genome position (GRCh38, 1-based): chr12:897,570, A>G. VCF-style: chr12-897570-A-G. GRCh37 (hg19) VCF-style: chr12-1006736-A-G.
Other names: c.7117A>G, p.Ile2373Val (NM_001184985.2); c.5593A>G, p.Ile1865Val (NM_014823.3); c.7093A>G, p.Ile2365Val (NM_213655.5); short protein forms I1865V, I2373V, I2113V, I2365V.
Identifiers: ClinVar variation 1963848 (VCV001963848.5), dbSNP rs1477139555, ClinGen allele CA383337209.